The following is an entry in ClinVar:

ClinVar aggregate classification (germline): Uncertain significance (1 of 4 stars; one submission).

Conditions:
Paroxysmal nonkinesigenic dyskinesia. Also called: Paroxysmal non-kinesigenic dyskinesia. Identifiers: Orphanet 98810, MedGen C1869117, MONDO:0700088.

Allele frequency attached by ClinVar (database versions not stated): gnomAD exomes 0.00001; ExAC 0.00009.
gnomAD v4.1: 6 of 1,230,874 alleles (0.00049%); highest among the groups gnomAD compares: South Asian, 0.0029%; no homozygotes.

Submission:

Labcorp Genetics (formerly Invitae), Labcorp
Classification: Uncertain significance for Paroxysmal nonkinesigenic dyskinesia. Last evaluated: 2019-12-05. Review status: criteria provided, single submitter. Criteria: Invitae Variant Classification Sherloc (09022015). Collection method: clinical testing. Allele origin: germline.
Comment: In summary, the available evidence is currently insufficient to determine the role of this variant in disease. Therefore, it has been classified as a Variant of Uncertain Significance. This sequence change replaces alanine with valine at codon 3 of the PNKD protein (p.Ala3Val). The alanine residue is moderately conserved and there is a small physicochemical difference between alanine and valine. The frequency data for this variant in the population databases is considered unreliable, as metrics indicate poor data quality at this position in the ExAC database. This variant has not been reported in the literature in individuals with PNKD-related conditions. Algorithms developed to predict the effect of missense changes on protein structure and function are either unavailable or do not agree on the potential impact of this missense change (SIFT: "Deleterious"; PolyPhen-2: "Possibly Damaging"; Align-GVGD: "Class C0").

NM_015488.5(PNKD):c.8C>T (p.Ala3Val)

Genes: PNKD (PNKD metallo-beta-lactamase domain containing; plus strand), LOC129935594 (ATAC-STARR-seq lymphoblastoid active region 17117; plus strand). Cytogenetic location: 2q35.
Variant type: single nucleotide variant.
Coding change: c.8C>T on transcript NM_015488.5 (MANE Select); coding-DNA position 8, C replaced by T.
Protein change: p.Ala3Val; replaces alanine 3 with valine.
Molecular consequence: missense variant.
Genome position (GRCh38, 1-based): chr2:218,270,543, C>T. VCF-style: chr2-218270543-C-T. GRCh37 (hg19) VCF-style: chr2-219135266-C-T.
Other names: c.8C>T, p.Ala3Val (NM_001077399.3); short protein forms A3V.
Identifiers: ClinVar variation 856769 (VCV000856769.10), dbSNP rs751631915, ClinGen allele CA2103222.